The following is an entry in ClinVar:

NM_080732.4(EGLN2):c.333C>T (p.Gly111=)

Genes: EGLN2 (egl-9 family hypoxia inducible factor 2; plus strand), RAB4B-EGLN2 (RAB4B-EGLN2 readthrough (NMD candidate); plus strand). Cytogenetic location: 19q13.2.
Variant type: single nucleotide variant.
Coding change: c.333C>T on transcript NM_080732.4 (MANE Select); coding-DNA position 333, C replaced by T.
Protein change: p.Gly111=; no amino-acid change (glycine 111 retained).
Molecular consequence: synonymous variant. On other transcripts: non-coding transcript variant (1).
Genome position (GRCh38, 1-based): chr19:40,800,905, C>T. VCF-style: chr19-40800905-C-T. GRCh37 (hg19) VCF-style: chr19-41306810-C-T.
Other names: p.Gly111=; c.333C>T, p.Gly111= (NM_053046.4).
Identifiers: ClinVar variation 783830 (VCV000783830.5), dbSNP rs10417139, ClinGen allele CA9452191.

ClinVar aggregate classification (germline): Benign. Review status: criteria provided, multiple submitters, no conflicts (2 of 4 stars). 3 submissions from 3 submitters: Benign (3). Last evaluated 2025-08-15.

Allele frequency attached by ClinVar (database versions not stated): ExAC 0.00468; gnomAD 0.01337 and 0.01432; 1000 Genomes Project 30x 0.01796; gnomAD exomes 0.00150 and 0.00354; ESP Exome Variant Server 0.01542; TOPMed 0.01546; 1000 Genomes Project 0.01617.
gnomAD v4.1: 4,315 of 1,609,728 alleles (0.27%); highest among the groups gnomAD compares: African/African-American, 4.8%; 87 homozygotes.

Submissions (3):

Mayo Clinic Laboratories, Mayo Clinic
Classification: Benign. Last evaluated: 2025-08-15. Review status: criteria provided, single submitter. Criteria: ACMG Guidelines, 2015. Collection method: clinical testing. Allele origin: germline. Observed: 1 variant allele.
Comment: BS1, BS2, BP4, BP7

Labcorp Genetics (formerly Invitae), Labcorp
Classification: Benign. Last evaluated: 2018-05-21. Review status: criteria provided, single submitter. Criteria: Invitae Variant Classification Sherloc (09022015). Collection method: clinical testing. Allele origin: germline.

Breakthrough Genomics
Classification: Benign. Review status: criteria provided, single submitter. Criteria: ACMG Guidelines, 2015. Collection method: not provided. Allele origin: germline. Inheritance: Unknown mechanism. Affected: yes.